The following is an entry in ClinVar:

ClinVar aggregate classification (germline): Conflicting classifications of pathogenicity. Review status: criteria provided, conflicting classifications (1 of 4 stars). 11 submissions from 11 submitters: Uncertain significance (9); Likely benign (1). 1 of the submissions does not count toward it. Last evaluated 2025-12-02.

Conditions:
CAPN3-related disorder. Also called: CAPN3-related disorders; CAPN3-related condition. Identifiers: MedGen CN239245.
Autosomal recessive limb-girdle muscular dystrophy type 2A (LGMDR1). Also called: LEYDEN-MOEBIUS MUSCULAR DYSTROPHY; MUSCULAR DYSTROPHY, PELVOFEMORAL; Limb-girdle muscular dystrophy, type 2A; Calpainopathy; Muscular dystrophy, limb-girdle, type 2A, Amish. Identifiers: Orphanet 267, MedGen C1869123, MONDO:0009675, OMIM 253600. Disease mechanism: loss of function.

Allele frequency attached by ClinVar (database versions not stated): gnomAD exomes 0.00009; ExAC 0.00011; ESP Exome Variant Server 0.00023; 1000 Genomes Project 30x 0.00031; gnomAD 0.00032 and 0.00034; TOPMed 0.00037; 1000 Genomes Project 0.00040.
gnomAD v4.1: 181 of 1,614,094 alleles (0.011%); highest among the groups gnomAD compares: African/African-American, 0.17%; 2 homozygotes.

Submissions (13):

Dasa
Classification: Uncertain significance for Autosomal recessive limb-girdle muscular dystrophy type 2A. Last evaluated: 2025-12-02. Review status: criteria provided, single submitter. Criteria: DASA Assertion Criteria. Collection method: clinical testing. Allele origin: germline.
Comment: NM_000070.3(CAPN3):c.1543G>A (p.Gly515Arg) is a missense variant that results in the substitution of glycine with arginine. The affected residue or protein region has prior evidence supporting clinical relevance. This variant has been reported in individuals with CAPN3-related disorders (PMID: 33250842). This classification is supported by population frequency inconsistent with a disease-causing role. Computational prediction algorithms are consistent with a deleterious effect. The currently available literature and clinical evidence are not sufficient to establish a definitive association between this variant and the reported condition. Therefore, this variant is classified as a variant of uncertain significance.

3billion
Classification: Uncertain significance for Autosomal recessive limb-girdle muscular dystrophy type 2A. Last evaluated: 2025-11-13. Review status: criteria provided, single submitter. Criteria: ACMG Guidelines, 2015. Collection method: clinical testing. Allele origin: germline. Affected: yes.
Comment: The variant is observed at an extremely low frequency in the gnomAD v4.1.0 dataset (total allele frequency: 0.011%). Predicted Consequence/Location: Missense variant In silico tool predictions suggest damaging effect of the variant on gene or gene product [REVEL: 0.83 (>=0.6, sensitivity 0.68 and specificity 0.92); 3Cnet: 0.99 (> 0.75, sensitivity 0.96 and precision 0.92)]. The same nucleotide change resulting in the same amino acid change has been previously reported to be associated with CAPN3-related disorder (PMID: 33250842). However, the evidence of pathogenicity is insufficient at this time. Therefore, this variant is classified as VUS according to the recommendation of ACMG/AMP guideline.

GeneDx
Classification: Uncertain significance. Last evaluated: 2025-10-01. Review status: criteria provided, single submitter. Criteria: GeneDx Variant Classification Process June 2021. Collection method: clinical testing. Allele origin: germline. Affected: yes.
Comment: In silico analysis supports that this missense variant has a deleterious effect on protein structure/function; This variant is associated with the following publications: (PMID: 33250842, 39678382)

Revvity Omics, Revvity
Classification: Uncertain significance. Last evaluated: 2025-07-24. Review status: criteria provided, single submitter. Criteria: ACMG Guidelines, 2015. Collection method: clinical testing. Allele origin: germline.

PreventionGenetics, part of Exact Sciences
Classification: Uncertain significance for CAPN3-related condition. Last evaluated: 2025-05-01. Review status: criteria provided, single submitter. Criteria: ACMG Guidelines, 2015. Collection method: clinical testing. Allele origin: germline.
Comment: The CAPN3 c.1543G>A variant is predicted to result in the amino acid substitution p.Gly515Arg. This variant was reported with a pathogenic CAPN3 variant in an individual with calpainopathy, but the phase of these two variants was not provided (Chakravorty et al. 2020. PubMed ID: 33250842). This variant is reported in 0.096% of alleles in individuals of African descent in gnomAD. At this time, the clinical significance of this variant is uncertain due to the absence of conclusive functional and genetic evidence.

Labcorp Genetics (formerly Invitae), Labcorp
Classification: Uncertain significance for Autosomal recessive limb-girdle muscular dystrophy type 2A. Last evaluated: 2025-01-15. Review status: criteria provided, single submitter. Criteria: Invitae Variant Classification Sherloc (09022015). Collection method: clinical testing. Allele origin: germline.
Comment: This sequence change replaces glycine, which is neutral and non-polar, with arginine, which is basic and polar, at codon 515 of the CAPN3 protein (p.Gly515Arg). This variant is present in population databases (rs150226817, gnomAD 0.09%). This missense change has been observed in individual(s) with a progressive myopathy (PMID: 33250842). ClinVar contains an entry for this variant (Variation ID: 254861). Invitae Evidence Modeling of protein sequence and biophysical properties (such as structural, functional, and spatial information, amino acid conservation, physicochemical variation, residue mobility, and thermodynamic stability) indicates that this missense variant is expected to disrupt CAPN3 protein function with a positive predictive value of 95%. In summary, the available evidence is currently insufficient to determine the role of this variant in disease. Therefore, it has been classified as a Variant of Uncertain Significance.

Women's Health and Genetics/Laboratory Corporation of America, LabCorp
Classification: Likely benign. Last evaluated: 2022-05-27. Review status: criteria provided, single submitter. Criteria: LabCorp Variant Classification Summary - May 2015. Collection method: clinical testing. Allele origin: germline.
Comment: Variant summary: CAPN3 c.1543G>A (p.Gly515Arg) results in a non-conservative amino acid change located in the subdomain III (IPR033883) of the encoded protein sequence. Five of five in-silico tools predict a damaging effect of the variant on protein function. The variant allele was found at a frequency of 0.00031 in 150922 control chromosomes, predominantly within the African or African-American subpopulation at a frequency of 0.0011 including 1 homozygote (in the gnomAD database, v3.1 genomes dataset). This frequency is somewhat lower than the estimated maximum expected for a pathogenic variant in CAPN3 causing Limb-Girdle Muscular Dystrophy, Autosomal Recessive (0.0032), allowing no clear conclusions about variant significance. The variant, c.1543G>A, has been reported in the literature in an individual affected with proximal myopathy, who also carried a (likely) pathogenic CAPN3 variant, however the phase of these two variants was not determined (Chakravorty_2020). On the other hand, the variant was also reported in 3 individuals affected with limb-girdle muscular dystrophy (LGMD), however, two of these patients also carried two co-occurring pathogenic variants in other genes, which could explain the phenotype, while the 3rd patient carried a potentially pathogenic CAPN3 variant in cis (LOVD, PMID 30564623). To our knowledge, no experimental evidence demonstrating an impact on protein function has been reported. Six clinical diagnostic laboratories have submitted clinical-significance assessments for this variant to ClinVar after 2014 without evidence for independent evaluation, and classified the variant as uncertain significance (n=5) or likely benign (n=1). Based on the evidence outlined above, the variant was classified as likely benign.

CeGaT Center for Human Genetics Tuebingen
Classification: Uncertain significance. Last evaluated: 2019-08-01. Review status: criteria provided, single submitter. Criteria: CeGaT Center For Human Genetics Tuebingen Variant Classification Criteria Version 2. Collection method: clinical testing. Allele origin: germline. Affected: yes. Observed: 1 variant allele.

Eurofins Ntd Llc (ga)
Classification: Uncertain significance. Last evaluated: 2018-08-10. Review status: criteria provided, single submitter. Criteria: EGL ClinVar v180209 classification definitions. Collection method: clinical testing. Allele origin: germline. Observed: 9 variant alleles, 9 heterozygotes.

Athena Diagnostics
Classification: Uncertain significance. Last evaluated: 2016-12-31. Review status: criteria provided, single submitter. Criteria: Athena Diagnostics Criteria. Collection method: clinical testing. Allele origin: germline.

Natera, Inc.
Classification: Uncertain significance for Limb-girdle muscular dystrophy type 2A. Last evaluated: 2020-04-17. Review status: no assertion criteria provided. Collection method: clinical testing. Allele origin: germline. Not counted in ClinVar's aggregate classification.

Dr. Peter K. Rogan Lab, Western University
No classification provided (evidence only). Condition: Clear cell carcinoma of kidney. Review status: no classification provided. Collection method: in vitro. Allele origin: not applicable. Functional consequence: retained intron. Not counted in ClinVar's aggregate classification.

Dr. Peter K. Rogan Lab, Western University
No classification provided (evidence only). Condition: Hepatocellular carcinoma. Review status: no classification provided. Collection method: in vitro. Allele origin: not applicable. Functional consequence: retained intron. Not counted in ClinVar's aggregate classification.

Literature cited by the submitters: PubMed 33250842 (cited by 4 submitters).

NM_000070.3(CAPN3):c.1543G>A (p.Gly515Arg)

Gene: CAPN3 (calpain 3; plus strand). Cytogenetic location: 15q15.1.
Variant type: single nucleotide variant.
Coding change: c.1543G>A on transcript NM_000070.3 (MANE Select); coding-DNA position 1543, G replaced by A.
Protein change: p.Gly515Arg; replaces glycine 515 with arginine.
Molecular consequence: missense variant.
Genome position (GRCh38, 1-based): chr15:42,402,800, G>A. VCF-style: chr15-42402800-G-A. GRCh37 (hg19) VCF-style: chr15-42694998-G-A.
Other names: c.1543G>A, p.Gly515Arg (NM_024344.2); c.1399G>A, p.Gly467Arg (NM_173087.2); c.7G>A, p.Gly3Arg (NM_173088.2); short protein forms G515R, G3R, G467R.
Identifiers: ClinVar variation 254861 (VCV000254861.63), dbSNP rs150226817, ClinGen allele CA7511431.